The following is an entry in ClinVar:

NM_000282.4(PCCA):c.472G>T (p.Ala158Ser)

Gene: PCCA (propionyl-CoA carboxylase subunit alpha; plus strand). Cytogenetic location: 13q32.3.
Variant type: single nucleotide variant.
Coding change: c.472G>T on transcript NM_000282.4 (MANE Select); coding-DNA position 472, G replaced by T.
Protein change: p.Ala158Ser; replaces alanine 158 with serine.
Molecular consequence: missense variant. On other transcripts: 5 prime UTR variant (3), non-coding transcript variant (5).
Genome position (GRCh38, 1-based): chr13:100,209,335, G>T. VCF-style: chr13-100209335-G-T. GRCh37 (hg19) VCF-style: chr13-100861589-G-T.
Other names: c.472G>T, p.Ala158Ser (NM_001352606.2, NM_001352609.2, NM_001178004.2 and 1 more transcripts); c.394G>T, p.Ala132Ser (NM_001352607.2, NM_001352608.2, NM_001127692.3); c.-395G>T (NM_001352610.2, NM_001352611.2, NM_001352612.2); short protein forms A158S, A132S.
Identifiers: ClinVar variation 1488283 (VCV001488283.3), dbSNP rs773032396, ClinGen allele CA7033248.

ClinVar aggregate classification (germline): Uncertain significance (1 of 4 stars; one submission).

Conditions:
Propionic acidemia (PROP). Also called: GLYCINEMIA, KETOTIC; HYPERGLYCINEMIA WITH KETOACIDOSIS AND LEUKOPENIA; KETOTIC HYPERGLYCINEMIA. Identifiers: Orphanet 35, MedGen C0268579, MONDO:0011628, OMIM 606054, HP:0003571.

Allele frequency attached by ClinVar (database versions not stated): gnomAD exomes below 0.00001; ExAC 0.00001; gnomAD 0.00001; TOPMed 0.00001.
gnomAD v4.1: 1 of 1,613,498 alleles (0.000062%); highest among the groups gnomAD compares: African/African-American, 0.0013%; no homozygotes.

Submission:

Labcorp Genetics (formerly Invitae), Labcorp
Classification: Uncertain significance for Propionic acidemia. Last evaluated: 2021-09-20. Review status: criteria provided, single submitter. Criteria: Invitae Variant Classification Sherloc (09022015). Collection method: clinical testing. Allele origin: germline.
Comment: This sequence change replaces alanine with serine at codon 158 of the PCCA protein (p.Ala158Ser). The alanine residue is moderately conserved and there is a moderate physicochemical difference between alanine and serine. This variant is present in population databases (rs773032396, ExAC 0.01%). This variant has not been reported in the literature in individuals affected with PCCA-related conditions. Advanced modeling of protein sequence and biophysical properties (such as structural, functional, and spatial information, amino acid conservation, physicochemical variation, residue mobility, and thermodynamic stability) performed at Invitae indicates that this missense variant is not expected to disrupt PCCA protein function. In summary, the available evidence is currently insufficient to determine the role of this variant in disease. Therefore, it has been classified as a Variant of Uncertain Significance.